The following is an entry in ClinVar:

NM_004360.5(CDH1):c.94T>A (p.Phe32Ile)

Gene: CDH1 (cadherin 1; plus strand). Cytogenetic location: 16q22.1.
Variant type: single nucleotide variant.
Coding change: c.94T>A on transcript NM_004360.5 (MANE Select); coding-DNA position 94, T replaced by A.
Protein change: p.Phe32Ile; replaces phenylalanine 32 with isoleucine.
Molecular consequence: missense variant. On other transcripts: 5 prime UTR variant (2).
Genome position (GRCh38, 1-based): chr16:68,738,342, T>A. VCF-style: chr16-68738342-T-A. GRCh37 (hg19) VCF-style: chr16-68772245-T-A.
Other names: c.94T>A, p.Phe32Ile (NM_001317184.2); c.-1522T>A (NM_001317185.2); c.-1726T>A (NM_001317186.2); short protein forms F32I.
Identifiers: ClinVar variation 3241023 (VCV003241023.3), dbSNP rs1382043754.

ClinVar aggregate classification (germline): Uncertain significance. Review status: criteria provided, multiple submitters, no conflicts (2 of 4 stars). 2 submissions from 2 submitters: Uncertain significance (2). Last evaluated 2024-04-26.

Conditions:
Hereditary diffuse gastric adenocarcinoma (HDGC). Also called: DIFFUSE GASTRIC AND LOBULAR BREAST CANCER SYNDROME. Identifiers: Orphanet 26106, MedGen C1708349, MONDO:0007648, OMIM 137215.
Familial cancer of breast. Also called: BREAST CANCER, FAMILIAL; hereditary breast carcinoma; Hereditary breast cancer. Identifiers: Orphanet 227535, MedGen C0346153, MONDO:0016419, OMIM 114480. Disease mechanism: loss of function.

Submissions (2):

Labcorp Genetics (formerly Invitae), Labcorp
Classification: Uncertain significance for Hereditary diffuse gastric adenocarcinoma. Last evaluated: 2024-04-26. Review status: criteria provided, single submitter. Criteria: Invitae Variant Classification Sherloc (09022015). Collection method: clinical testing. Allele origin: germline.
Comment: This sequence change replaces phenylalanine, which is neutral and non-polar, with isoleucine, which is neutral and non-polar, at codon 32 of the CDH1 protein (p.Phe32Ile). This variant is not present in population databases (gnomAD no frequency). This variant has not been reported in the literature in individuals affected with CDH1-related conditions. An algorithm developed to predict the effect of missense changes on protein structure and function (PolyPhen-2) suggests that this variant is likely to be disruptive. In summary, the available evidence is currently insufficient to determine the role of this variant in disease. Therefore, it has been classified as a Variant of Uncertain Significance.

Baylor Genetics
Classification: Uncertain significance for Familial cancer of breast. Last evaluated: 2024-02-23. Review status: criteria provided, single submitter. Criteria: ACMG Guidelines, 2015. Collection method: clinical testing. Allele origin: unknown.